The following is an entry in ClinVar:

ClinVar aggregate classification (germline): Uncertain significance (1 of 4 stars; one submission).

gnomAD v4.1: 2 of 1,614,156 alleles (0.00012%); highest among the groups gnomAD compares: Non-Finnish European, 0.00017%; no homozygotes.

Submission:

Labcorp Genetics (formerly Invitae), Labcorp
Classification: Uncertain significance. Last evaluated: 2023-03-18. Review status: criteria provided, single submitter. Criteria: Invitae Variant Classification Sherloc (09022015). Collection method: clinical testing. Allele origin: germline.
Comment: In summary, the available evidence is currently insufficient to determine the role of this variant in disease. Therefore, it has been classified as a Variant of Uncertain Significance. Advanced modeling of protein sequence and biophysical properties (such as structural, functional, and spatial information, amino acid conservation, physicochemical variation, residue mobility, and thermodynamic stability) performed at Invitae indicates that this missense variant is not expected to disrupt KMT2A protein function. This variant has not been reported in the literature in individuals affected with KMT2A-related conditions. This variant is not present in population databases (gnomAD no frequency). This sequence change replaces leucine, which is neutral and non-polar, with phenylalanine, which is neutral and non-polar, at codon 2926 of the KMT2A protein (p.Leu2926Phe).

NM_001197104.2(KMT2A):c.8778G>T (p.Leu2926Phe)

Gene: KMT2A (lysine methyltransferase 2A; plus strand). Cytogenetic location: 11q23.3.
Variant type: single nucleotide variant.
Coding change: c.8778G>T on transcript NM_001197104.2 (MANE Select); coding-DNA position 8778, G replaced by T.
Protein change: p.Leu2926Phe; replaces leucine 2926 with phenylalanine.
Molecular consequence: missense variant.
Genome position (GRCh38, 1-based): chr11:118,504,670, G>T. VCF-style: chr11-118504670-G-T. GRCh37 (hg19) VCF-style: chr11-118375385-G-T.
Other names: c.8868G>T, p.Leu2956Phe (NM_001412597.1); c.8769G>T, p.Leu2923Phe (NM_005933.4); short protein forms L2926F, L2923F, L2956F.
Identifiers: ClinVar variation 2847240 (VCV002847240.3), dbSNP rs1371399709, ClinGen allele CA382816114.